The following is an entry in ClinVar:

NM_003872.3(NRP2):c.189del (p.Glu63fs)

Gene: NRP2 (neuropilin 2; plus strand). Cytogenetic location: 2q33.3.
Variant type: Deletion.
Coding change: c.189del on transcript NM_003872.3 (MANE Select); coding-DNA position 189, one base deleted (A; older notation c.189delA).
Protein change: p.Glu63fs; shifts the reading frame from glutamic acid 63.
Molecular consequence: frameshift variant.
Genome position (GRCh38, 1-based): chr2:205,697,659, A deleted; the last of 2 consecutive A bases (chr2:205,697,658-205,697,659); deleting either gives the same sequence. VCF-style (leftmost placement, unchanged base first): chr2-205697657-GA-G. GRCh37 (hg19) VCF-style: chr2-206562381-GA-G.
Other names: c.189del, p.Glu63fs (NM_018534.4, NM_201264.2, NM_201266.2 and 2 more transcripts); short protein forms E63fs.
Identifiers: ClinVar variation 3345949 (VCV003345949.1).

ClinVar aggregate classification (germline): Uncertain significance (0 of 4 stars; one submission).

Conditions:
NRP2-related disorder. Also called: NRP2-related condition.

Submission:

PreventionGenetics, part of Exact Sciences
Classification: Uncertain significance for NRP2-related condition. Last evaluated: 2024-05-31. Review status: no assertion criteria provided. Collection method: clinical testing. Allele origin: germline.
Comment: The NRP2 c.189delA variant is predicted to result in a frameshift and premature protein termination (p.Glu63Aspfs*130). To our knowledge, this variant has not been reported in the literature or in a large population database, indicating this variant is rare. Loss of function has not been established as a mechanism of NRP2-related disease. At this time, the clinical significance of this variant is uncertain due to the absence of conclusive functional and genetic evidence.